The following is an entry in ClinVar:

NM_001349338.3(FOXP1):c.670A>G (p.Ile224Val)

Gene: FOXP1 (forkhead box P1; minus strand). Cytogenetic location: 3p13.
Variant type: single nucleotide variant.
Coding change: c.670A>G on transcript NM_001349338.3 (MANE Select); coding-DNA position 670, A replaced by G.
Protein change: p.Ile224Val; replaces isoleucine 224 with valine.
Molecular consequence: missense variant. On other transcripts: non-coding transcript variant (2).
Genome position (GRCh38, 1-based): chr3:71,041,527, T>C on the plus strand (A>G on the coding strand, the complement: FOXP1 is on the minus strand). VCF-style: chr3-71041527-T-C. GRCh37 (hg19) VCF-style: chr3-71090678-T-C.
Other names: c.670A>G, p.Ile224Val (NM_001244808.3, NM_001244810.2, NM_001244814.3 and 3 more transcripts); c.442A>G, p.Ile148Val (NM_001244812.3); c.370A>G, p.Ile124Val (NM_001244813.3, NM_001244815.2, NM_001349342.3 and 1 more transcripts); c.367A>G, p.Ile123Val (NM_001349337.2, NM_001349343.3, NM_001349344.3); c.667A>G, p.Ile223Val (NM_001349341.3); short protein forms I123V, I124V, I148V, I223V, I224V.
Identifiers: ClinVar variation 3365613 (VCV003365613.1).
Genomic context (GRCh38, chr3:71,041,527, plus strand): 5'-TTTCTTCTGCAGTATGAGCACTTGTCACTTCTTTCCAGAGCTGCTGCAGTTCTGTTGGAA[T>C]CATGCCTGAAACAAACAAATTGGATAATTAAATCAATTAACAGCTAATTCCGTCCTCTTC-3'
Protein context (NP_001336267.1, residues 214-234): LPLQPLAQGM[Ile224Val]PTELQQLWKE

ClinVar aggregate classification (germline): Uncertain significance (1 of 4 stars; one submission).

gnomAD v4.1: 1 of 1,613,700 alleles (0.000062%); highest among the groups gnomAD compares: Non-Finnish European, 0.000085%; no homozygotes.

Submission:

GeneDx
Classification: Uncertain significance. Last evaluated: 2023-12-12. Review status: criteria provided, single submitter. Criteria: GeneDx Variant Classification Process June 2021. Collection method: clinical testing. Allele origin: germline. Affected: yes.
Comment: Not observed at significant frequency in large population cohorts (gnomAD); In silico analysis supports that this missense variant does not alter protein structure/function; Has not been previously published as pathogenic or benign to our knowledge